The following is an entry in ClinVar:

ClinVar aggregate classification (germline): Uncertain significance (1 of 4 stars; one submission).

Conditions:
Hereditary cancer-predisposing syndrome. Also called: Neoplastic Syndromes, Hereditary; Tumor predisposition; Hereditary Cancer Syndrome; Hereditary neoplastic syndrome. Identifiers: Orphanet 140162, MedGen C0027672, MeSH D009386, MONDO:0015356.

Submission:

Ambry Genetics
Classification: Uncertain significance for Hereditary cancer-predisposing syndrome. Last evaluated: 2021-11-21. Review status: criteria provided, single submitter. Criteria: Ambry Variant Classification Scheme 2023. Collection method: clinical testing. Allele origin: germline.
Comment: The p.V528L variant (also known as c.1582G>T), located in coding exon 12 of the POLD1 gene, results from a G to T substitution at nucleotide position 1582. The valine at codon 528 is replaced by leucine, an amino acid with highly similar properties. This amino acid position is conserved. In addition, this alteration is predicted to be tolerated by in silico analysis. Since supporting evidence is limited at this time, the clinical significance of this alteration remains unclear.

NM_002691.4(POLD1):c.1582G>T (p.Val528Leu)

Gene: POLD1 (DNA polymerase delta 1, catalytic subunit; plus strand). Cytogenetic location: 19q13.33.
Variant type: single nucleotide variant.
Coding change: c.1582G>T on transcript NM_002691.4 (MANE Select); coding-DNA position 1582, G replaced by T.
Protein change: p.Val528Leu; replaces valine 528 with leucine.
Molecular consequence: missense variant. On other transcripts: non-coding transcript variant (1).
Genome position (GRCh38, 1-based): chr19:50,407,070, G>T. VCF-style: chr19-50407070-G-T. GRCh37 (hg19) VCF-style: chr19-50910327-G-T.
Other names: c.1582G>T, p.Val528Leu (NM_001256849.1, NM_001308632.1); short protein forms V528L.
Identifiers: ClinVar variation 1775742 (VCV001775742.2), dbSNP rs2122338174, ClinGen allele CA406980910.